The following is an entry in ClinVar:

NM_003073.5(SMARCB1):c.737A>C (p.Glu246Ala)

Gene: SMARCB1 (SWI/SNF related BAF chromatin remodeling complex subunit B1; plus strand). Cytogenetic location: 22q11.23.
Variant type: single nucleotide variant.
Coding change: c.737A>C on transcript NM_003073.5 (MANE Select); coding-DNA position 737, A replaced by C.
Protein change: p.Glu246Ala; replaces glutamic acid 246 with alanine.
Molecular consequence: missense variant.
Genome position (GRCh38, 1-based): chr22:23,816,878, A>C. VCF-style: chr22-23816878-A-C. GRCh37 (hg19) VCF-style: chr22-24159065-A-C.
Other names: c.710A>C, p.Glu237Ala (NM_001007468.3); c.764A>C, p.Glu255Ala (NM_001317946.2); c.791A>C, p.Glu264Ala (NM_001362877.2); short protein forms E237A, E264A, E255A, E246A.
Identifiers: ClinVar variation 3798952 (VCV003798952.1).
Genomic context (GRCh38, chr22:23,816,878, plus strand): 5'-TGGATTTGAACCCGCTGACGTTTGTGCCAGCCATCGCCTCTGCCATCAGACAGCAGATCG[A>C]GTCCTACCCCACGGACAGCATCCTGGAGGACCAGTCAGACCAGCGCGTCATCATCAAGGT-3'
Protein context (NP_003064.2, residues 236-256): AIASAIRQQI[Glu246Ala]SYPTDSILED

ClinVar aggregate classification (germline): Uncertain significance (1 of 4 stars; one submission).

Conditions:
Hereditary cancer-predisposing syndrome. Also called: Neoplastic Syndromes, Hereditary; Hereditary Cancer Syndrome; Tumor predisposition; Hereditary neoplastic syndrome. Identifiers: Orphanet 140162, MedGen C0027672, MeSH D009386, MONDO:0015356.

Submission:

Ambry Genetics
Classification: Uncertain significance for Hereditary cancer-predisposing syndrome. Last evaluated: 2025-01-20. Review status: criteria provided, single submitter. Criteria: Ambry Variant Classification Scheme 2023. Collection method: clinical testing. Allele origin: germline.
Comment: The p.E246A variant (also known as c.737A>C), located in coding exon 6 of the SMARCB1 gene, results from an A to C substitution at nucleotide position 737. The glutamic acid at codon 246 is replaced by alanine, an amino acid with dissimilar properties. This amino acid position is conserved. In addition, this alteration is predicted to be deleterious by in silico analysis. Based on the available evidence, the clinical significance of this variant remains unclear.